The following is an entry in ClinVar:

ClinVar aggregate classification (germline): Benign/Likely benign. Review status: criteria provided, multiple submitters, no conflicts (2 of 4 stars). 12 submissions from 12 submitters: Benign (2); Likely benign (10). Last evaluated 2026-03-01.

Conditions:
Familial adenomatous polyposis 4 (FAP4). Also called: MSH3-related attenuated familial adenomatous polyposis. Identifiers: Orphanet 480536, MedGen C4310719, MONDO:0044300, OMIM 617100.
Hereditary cancer-predisposing syndrome. Also called: Hereditary Cancer Syndrome; Neoplastic Syndromes, Hereditary; Hereditary neoplastic syndrome; Tumor predisposition. Identifiers: Orphanet 140162, MedGen C0027672, MeSH D009386, MONDO:0015356.

Allele frequency attached by ClinVar (database versions not stated): 1000 Genomes Project 30x 0.00047; 1000 Genomes Project 0.00060; ExAC 0.00086; gnomAD exomes 0.00092 and 0.00206; TOPMed 0.00119; gnomAD 0.00127 and 0.00130; ESP Exome Variant Server 0.00138.
gnomAD v4.1: 3,214 of 1,613,886 alleles (0.2%); highest among the groups gnomAD compares: Non-Finnish European, 0.26%; 5 homozygotes.

Submissions (12):

CeGaT Center for Human Genetics Tuebingen
Classification: Likely benign. Last evaluated: 2026-03-01. Review status: criteria provided, single submitter. Criteria: CeGaT Center For Human Genetics Tuebingen Variant Classification Criteria Version 2. Collection method: clinical testing. Allele origin: germline. Affected: yes. Observed: 13 variant alleles.
Comment: MSH3: BP4, BP7

Labcorp Genetics (formerly Invitae), Labcorp
Classification: Benign. Last evaluated: 2026-02-03. Review status: criteria provided, single submitter. Criteria: Invitae Variant Classification Sherloc (09022015). Collection method: clinical testing. Allele origin: germline.

Institute for Biomarker Research, Medical Diagnostic Laboratories, L.L.C.
Classification: Likely benign for Hereditary cancer-predisposing syndrome. Last evaluated: 2025-10-27. Review status: criteria provided, single submitter. Criteria: ACMG Guidelines, 2015. Collection method: clinical testing. Allele origin: germline.
Comment: The synonymous variant NM_002439.5(MSH3):c.1794G>A (p.Ser598=) has been reported to ClinVar as Benign/Likely benign with a status of (2 stars) criteria provided, multiple submitters, no conflicts (Accession: VCV000718280.44). The p.Ser598= variant is not predicted to disrupt an existing splice site. The p.Ser598= variant is predicted to introduce a novel splice site by 1 of 4 splice site algorithms. The p.Ser598= variant results in a substitution of a base that is not predicted conserved by GERP++ and PhyloP. For these reasons, this variant has been classified as Likely Benign.

Center for Genomic Medicine, Rigshospitalet, Copenhagen University Hospital
Classification: Likely benign. Last evaluated: 2025-03-04. Review status: criteria provided, single submitter. Criteria: ACMG Guidelines, 2015. Collection method: clinical testing. Allele origin: germline.

ARUP Laboratories, Molecular Genetics and Genomics, ARUP Laboratories
Classification: Likely benign. Last evaluated: 2025-01-10. Review status: criteria provided, single submitter. Criteria: ARUP Molecular Germline Variant Investigation Process 2024. Collection method: clinical testing. Allele origin: germline.

Blueprint Genetics
Classification: Likely benign. Last evaluated: 2024-11-25. Review status: criteria provided, single submitter. Criteria: ACMG Guidelines, 2015. Collection method: clinical testing. Allele origin: germline.

Department of Pathology and Laboratory Medicine, Sinai Health System
Classification: Likely benign for Familial adenomatous polyposis 4. Last evaluated: 2024-05-16. Review status: criteria provided, single submitter. Criteria: ACMG Guidelines, 2015. Collection method: clinical testing. Allele origin: germline. Affected: yes.

Quest Diagnostics Nichols Institute San Juan Capistrano
Classification: Benign. Last evaluated: 2022-08-22. Review status: criteria provided, single submitter. Criteria: Quest Diagnostics criteria. Collection method: clinical testing. Allele origin: unknown.

Sema4
Classification: Likely benign for Hereditary cancer-predisposing syndrome. Last evaluated: 2022-03-06. Review status: criteria provided, single submitter. Criteria: Sema4 Curation Guidelines. Collection method: curation. Allele origin: germline.

GeneDx
Classification: Likely benign. Last evaluated: 2021-06-01. Review status: criteria provided, single submitter. Criteria: GeneDx Variant Classification Process June 2021. Collection method: clinical testing. Allele origin: germline. Affected: yes.

Ambry Genetics
Classification: Likely benign for Hereditary cancer-predisposing syndrome. Last evaluated: 2018-09-30. Review status: criteria provided, single submitter. Criteria: Ambry Variant Classification Scheme 2023. Collection method: clinical testing. Allele origin: germline.

Breakthrough Genomics
Classification: Likely benign. Review status: criteria provided, single submitter. Criteria: ACMG Guidelines, 2015. Collection method: not provided. Allele origin: germline. Inheritance: Autosomal recessive inheritance. Affected: yes.

NM_002439.5(MSH3):c.1794G>A (p.Ser598=)

Gene: MSH3 (mutS homolog 3; plus strand). Cytogenetic location: 5q14.1.
Variant type: single nucleotide variant.
Coding change: c.1794G>A on transcript NM_002439.5 (MANE Select); coding-DNA position 1794, G replaced by A.
Protein change: p.Ser598=; no amino-acid change (serine 598 retained).
Molecular consequence: synonymous variant.
Genome position (GRCh38, 1-based): chr5:80,761,576, G>A. VCF-style: chr5-80761576-G-A. GRCh37 (hg19) VCF-style: chr5-80057395-G-A.
Identifiers: ClinVar variation 718280 (VCV000718280.54), dbSNP rs61753791, ClinGen allele CA3328050.